The following is an entry in ClinVar:

NM_001384140.1(PCDH15):c.4671+1256del

Gene: PCDH15 (protocadherin related 15; minus strand). Cytogenetic location: 10q21.1.
Variant type: Deletion.
Coding change: c.4671+1256del on transcript NM_001384140.1 (MANE Select); 1256 bases into the intron after coding-DNA position 4671, one base deleted (C; older notation c.4671+1256delC).
Molecular consequence: intron variant. On other transcripts: frameshift variant (2), 3 prime UTR variant (1).
Genome position (GRCh38, 1-based): chr10:53,809,300, G deleted on the plus strand (C on the coding strand, the reverse complement: PCDH15 is on the minus strand). VCF-style (leftmost placement, unchanged base first): chr10-53809299-AG-A. GRCh37 (hg19) VCF-style: chr10-55569059-AG-A.
Other names: c.4765delC, p.Leu1589Serfs (NM_001142769.4); c.*180del (NM_001142770.3); c.4744del, p.Leu1582fs (NM_001354411.2); c.4476+1256del (NM_001354420.2); c.4605+1256del (NM_001354429.2); c.4482+1256del (NM_001142772.2); c.4497+1256del (NM_001142771.2); short protein forms L1589fs, L1582fs.
Identifiers: ClinVar variation 523752 (VCV000523752.5), dbSNP rs1404094905, ClinGen allele CA593783049.

ClinVar aggregate classification (germline): Conflicting classifications of pathogenicity. Review status: criteria provided, conflicting classifications (1 of 4 stars). 2 submissions from 2 submitters: Pathogenic (1); Uncertain significance (1). Last evaluated 2025-01-09.

Conditions:
Autosomal recessive nonsyndromic hearing loss 23. Identifiers: Orphanet 90636, MedGen C1836027, MONDO:0012293, OMIM 609533.

Allele frequency attached by ClinVar (database versions not stated): gnomAD exomes below 0.00001 and 0.00001; gnomAD 0.00001.

Submissions (2):

Institute of Rare Diseases, West China Hospital, Sichuan University
Classification: Pathogenic for Autosomal recessive nonsyndromic hearing loss 23. Last evaluated: 2025-01-09. Review status: criteria provided, single submitter. Criteria: ClinGen HL ACMG Specifications v1. Collection method: research. Allele origin: germline. Affected: yes.
Comment: PVS1;PM3_Supporting;PM2_Supporting

Laboratory for Molecular Medicine, Mass General Brigham Personalized Medicine
Classification: Uncertain significance. Last evaluated: 2020-07-10. Review status: criteria provided, single submitter. Criteria: LMM Criteria. Collection method: clinical testing. Allele origin: germline. Observed: 1 variant allele.
Comment: The p.Leu1589SerfsX13 variant in PCDH15 has been previously reported in an individual with hearing who was compound heterozygous for a second truncating variant (p.E49X, Wu 2015 PMID 26166082). It has also been identified in 0.006% (1/17972) of East Asian chromosomes by gnomAD. This nonsense variant leads to a premature termination codon at position 1589. This alteration occurs within the last exon of this transcript and is, therefore, likely to escape nonsense mediated decay (NMD) and result in a truncated protein. In addition, the exon in which this variant is located is not expressed in 15/18 of RefSeq transcripts for PCDH15. Therefore, the predicted impact to the PCDH15 protein is unknown. In summary, the clinical significance of this variant is uncertain. ACMG/AMP Criteria applied: PM2, PM3.

Literature cited by the submitters: PubMed 26166082 (cited by Laboratory for Molecular Medicine, Mass General Brigham Personalized Medicine).